The following is an entry in ClinVar:

ClinVar aggregate classification (germline): Conflicting classifications of pathogenicity. Review status: criteria provided, conflicting classifications (1 of 4 stars). 2 submissions from 2 submitters: Likely pathogenic (1); Uncertain significance (1). Last evaluated 2026-08-27.

Conditions:
EGFR-related lung cancer (EGFR). Identifiers: MedGen CN130014.
Hereditary cancer-predisposing syndrome. Also called: Tumor predisposition; Hereditary Cancer Syndrome; Hereditary neoplastic syndrome; Neoplastic Syndromes, Hereditary. Identifiers: Orphanet 140162, MedGen C0027672, MeSH D009386, MONDO:0015356.

Allele frequency attached by ClinVar (database versions not stated): gnomAD exomes 0.00001 and below 0.00001.
gnomAD v4.1: 3 of 1,614,176 alleles (0.00019%); highest among the groups gnomAD compares: Non-Finnish European, 0.00017%; no homozygotes.

Submissions (3):

Ambry Genetics
Classification: Uncertain significance for Hereditary cancer-predisposing syndrome. Last evaluated: 2026-08-27. Review status: criteria provided, single submitter. Criteria: Ambry Variant Classification Scheme 2023. Collection method: clinical testing. Allele origin: germline.
Comment: The c.1919+2T>G intronic variant results from a T to G substitution two nucleotides after coding exon 16 in the EGFR gene. Variants that disrupt the canonical splice site are expected to result in aberrant splicing. In silico splice site analysis predicts that this alteration will weaken the native splice donor site. A resulting transcript is predicted to be in-frame and is not expected to trigger nonsense-mediated mRNAdecay; although, direct evidence is unavailable. This nucleotide position is highly conserved in available vertebrate species. Based on the available evidence, the clinical significance of this variant remains unclear.

Labcorp Genetics (formerly Invitae), Labcorp
Classification: Likely pathogenic for EGFR-related lung cancer. Last evaluated: 2024-06-30. Review status: criteria provided, single submitter. Criteria: Invitae Variant Classification Sherloc (09022015). Collection method: clinical testing. Allele origin: germline.
Comment: This sequence change affects a donor splice site in intron 16 of the EGFR gene. It is expected to disrupt RNA splicing. Variants that disrupt the donor or acceptor splice site typically lead to a loss of protein function (PMID: 16199547), and loss-of-function variants in EGFR are known to be pathogenic (PMID: 7630400, 28726809, 29899996). This variant is present in population databases (no rsID available, gnomAD 0.02%). This variant has not been reported in the literature in individuals affected with EGFR-related conditions. ClinVar contains an entry for this variant (Variation ID: 1046386). Algorithms developed to predict the effect of sequence changes on RNA splicing suggest that this variant may disrupt the consensus splice site. In summary, the currently available evidence indicates that the variant is pathogenic, but additional data are needed to prove that conclusively. Therefore, this variant has been classified as Likely Pathogenic.

Dr. Peter K. Rogan Lab, Western University
No classification provided (evidence only). Condition: Thyroid cancer, nonmedullary, 1. Review status: no classification provided. Collection method: in vitro. Allele origin: not applicable. Functional consequence: skipped exon. Not counted in ClinVar's aggregate classification.

Literature cited by the submitters: PubMed 16199547 (cited by Labcorp Genetics (formerly Invitae), Labcorp); PubMed 7630400 (cited by Labcorp Genetics (formerly Invitae), Labcorp); PubMed 28726809 (cited by Labcorp Genetics (formerly Invitae), Labcorp); PubMed 29899996 (cited by Labcorp Genetics (formerly Invitae), Labcorp).

NM_005228.5(EGFR):c.1919+2T>G

Gene: EGFR (epidermal growth factor receptor; plus strand). Cytogenetic location: 7p11.2.
Variant type: single nucleotide variant.
Coding change: c.1919+2T>G on transcript NM_005228.5 (MANE Select); the canonical splice donor site of the intron after coding-DNA position 1919, T replaced by G.
Molecular consequence: splice donor variant.
Genome position (GRCh38, 1-based): chr7:55,171,215, T>G. VCF-style: chr7-55171215-T-G. GRCh37 (hg19) VCF-style: chr7-55238908-T-G.
Other names: c.1919+2T>G (NM_005228.3, NM_001346898.2); c.1784+2T>G (NM_001346899.2, NM_001346897.2); c.1118+2T>G (NM_001346941.2); c.1760+2T>G (NM_001346900.2).
Identifiers: ClinVar variation 1046386 (VCV001046386.10), dbSNP rs1166325650, ClinGen allele CA367582323.